The following is an entry in ClinVar:

ClinVar aggregate classification (germline): Likely pathogenic (1 of 4 stars; one submission).

Conditions:
Charcot-Marie-Tooth Neuropathy X. Identifiers: MedGen CN118851.

Submission:

Labcorp Genetics (formerly Invitae), Labcorp
Classification: Likely pathogenic for Charcot-Marie-Tooth Neuropathy X. Last evaluated: 2022-05-28. Review status: criteria provided, single submitter. Criteria: Invitae Variant Classification Sherloc (09022015). Collection method: clinical testing. Allele origin: germline.
Comment: This sequence change replaces serine, which is neutral and polar, with threonine, which is neutral and polar, at codon 138 of the GJB1 protein (p.Ser138Thr). This variant is not present in population databases (gnomAD no frequency). In summary, the currently available evidence indicates that the variant is pathogenic, but additional data are needed to prove that conclusively. Therefore, this variant has been classified as Likely Pathogenic. This variant disrupts the p.Ser138 amino acid residue in GJB1. Other variant(s) that disrupt this residue have been observed in individuals with GJB1-related conditions (PMID: 21692908, 27844031, 28448691; Invitae), which suggests that this may be a clinically significant amino acid residue. Algorithms developed to predict the effect of missense changes on protein structure and function (SIFT, PolyPhen-2, Align-GVGD) all suggest that this variant is likely to be disruptive. This missense change has been observed in individuals with Charcot-Marie-Tooth disease type 1X (PMID: 21692908; Invitae).

Literature cited by the submitters: PubMed 21692908; PubMed 27844031; PubMed 28448691.

NM_000166.6(GJB1):c.413G>C (p.Ser138Thr)

Gene: GJB1 (gap junction protein beta 1; plus strand). Cytogenetic location: Xq13.1.
Variant type: single nucleotide variant.
Coding change: c.413G>C on transcript NM_000166.6 (MANE Select); coding-DNA position 413, G replaced by C.
Protein change: p.Ser138Thr; replaces serine 138 with threonine.
Molecular consequence: missense variant.
Genome position (GRCh38, 1-based): chrX:71,224,120, G>C. VCF-style: chrX-71224120-G-C. GRCh37 (hg19) VCF-style: chrX-70443970-G-C.
Other names: c.413G>C, p.Ser138Thr (NM_001097642.3); short protein forms S138T.
Identifiers: ClinVar variation 2000090 (VCV002000090.4), dbSNP rs1602349322, ClinGen allele CA413502293.
Genomic context (GRCh38, chrX:71,224,120, plus strand): 5'-AGGAGGTGAAGAGGCACAAGGTCCACATCTCAGGGACACTGTGGTGGACCTATGTCATCA[G>C]CGTGGTGTTCCGGCTGTTGTTTGAGGCCGTCTTCATGTATGTCTTTTATCTGCTCTACCC-3'
Protein context (NP_000157.1, residues 128-148): SGTLWWTYVI[Ser138Thr]VVFRLLFEAV